The following is an entry in ClinVar:

NM_018076.5(ODAD2):c.326G>A (p.Arg109His)

Gene: ODAD2 (outer dynein arm docking complex subunit 2; minus strand). Cytogenetic location: 10p12.1.
Variant type: single nucleotide variant.
Coding change: c.326G>A on transcript NM_018076.5 (MANE Select); coding-DNA position 326, G replaced by A.
Protein change: p.Arg109His; replaces arginine 109 with histidine.
Molecular consequence: missense variant.
Genome position (GRCh38, 1-based): chr10:27,987,442, C>T on the plus strand (G>A on the coding strand, the complement: ODAD2 is on the minus strand). VCF-style: chr10-27987442-C-T. GRCh37 (hg19) VCF-style: chr10-28276371-C-T.
Other names: c.326G>A, p.Arg109His (NM_001290020.2); short protein forms R109H.
Identifiers: ClinVar variation 1024390 (VCV001024390.7), dbSNP rs370420018, ClinGen allele CA204533650.

ClinVar aggregate classification (germline): Uncertain significance (1 of 4 stars; one submission).

Conditions:
Primary ciliary dyskinesia 23 (CILD23). Also called: CILIARY DYSKINESIA, PRIMARY, 23, WITH OR WITHOUT SITUS INVERSUS. Identifiers: Orphanet 244, MedGen C3809548, MONDO:0014193, OMIM 615451.

Allele frequency attached by ClinVar (database versions not stated): gnomAD exomes below 0.00001; TOPMed below 0.00001; ESP Exome Variant Server 0.00008.
gnomAD v4.1: 4 of 1,613,834 alleles (0.00025%); highest among the groups gnomAD compares: Middle Eastern, 0.016%; no homozygotes.

Submission:

Labcorp Genetics (formerly Invitae), Labcorp
Classification: Uncertain significance for Primary ciliary dyskinesia 23. Last evaluated: 2022-06-13. Review status: criteria provided, single submitter. Criteria: Invitae Variant Classification Sherloc (09022015). Collection method: clinical testing. Allele origin: germline.
Comment: In summary, the available evidence is currently insufficient to determine the role of this variant in disease. Therefore, it has been classified as a Variant of Uncertain Significance. Algorithms developed to predict the effect of missense changes on protein structure and function output the following: SIFT: "Tolerated"; PolyPhen-2: "Benign"; Align-GVGD: "Class C0". The histidine amino acid residue is found in multiple mammalian species, which suggests that this missense change does not adversely affect protein function. ClinVar contains an entry for this variant (Variation ID: 1024390). This variant has not been reported in the literature in individuals affected with ARMC4-related conditions. This variant is not present in population databases (gnomAD no frequency). This sequence change replaces arginine, which is basic and polar, with histidine, which is basic and polar, at codon 109 of the ARMC4 protein (p.Arg109His).